The following is an entry in ClinVar:

ClinVar aggregate classification (germline): Pathogenic (1 of 4 stars; one submission).

Submission:

CeGaT Center for Human Genetics Tuebingen
Classification: Pathogenic. Last evaluated: 2024-11-01. Review status: criteria provided, single submitter. Criteria: CeGaT Center For Human Genetics Tuebingen Variant Classification Criteria Version 2. Collection method: clinical testing. Allele origin: germline. Affected: yes. Observed: 1 variant allele.
Comment: LZTR1: PVS1, PM2

NM_006767.4(LZTR1):c.1075A>T (p.Lys359Ter)

Gene: LZTR1 (leucine zipper like post translational regulator 1; plus strand). Cytogenetic location: 22q11.21.
Variant type: single nucleotide variant.
Coding change: c.1075A>T on transcript NM_006767.4 (MANE Select); coding-DNA position 1075, A replaced by T.
Protein change: p.Lys359Ter; replaces lysine 359 with a stop codon.
Molecular consequence: nonsense.
Genome position (GRCh38, 1-based): chr22:20,992,295, A>T. VCF-style: chr22-20992295-A-T. GRCh37 (hg19) VCF-style: chr22-21346584-A-T.
Other names: short protein forms K359*.
Identifiers: ClinVar variation 3390135 (VCV003390135.14).